The following is an entry in ClinVar:

ClinVar aggregate classification (germline): Benign (1 of 4 stars; one submission).

Allele frequency attached by ClinVar (database versions not stated): 1000 Genomes Project 30x 0.63413; 1000 Genomes Project 0.63858; TOPMed 0.68723; gnomAD 0.70335 and 0.70389.
gnomAD v4.1: 107,086 of 152,130 alleles (70%); highest among the groups gnomAD compares: Non-Finnish European, 80%; 38,642 homozygotes.

Submission:

GeneDx
Classification: Benign. Last evaluated: 2018-06-14. Review status: criteria provided, single submitter. Criteria: GeneDx Variant Classification (06012015). Collection method: clinical testing. Allele origin: germline. Affected: yes.
Comment: This variant is considered likely benign or benign based on one or more of the following criteria: it is a conservative change, it occurs at a poorly conserved position in the protein, it is predicted to be benign by multiple in silico algorithms, and/or has population frequency not consistent with disease.

NM_000393.5(COL5A2):c.3148-285G>A

Gene: COL5A2 (collagen type V alpha 2 chain; minus strand). Cytogenetic location: 2q32.2.
Variant type: single nucleotide variant.
Coding change: c.3148-285G>A on transcript NM_000393.5 (MANE Select); 285 bases into the intron before coding-DNA position 3148, G replaced by A.
Molecular consequence: intron variant.
Genome position (GRCh38, 1-based): chr2:189,048,547, C>T on the plus strand (G>A on the coding strand, the complement: COL5A2 is on the minus strand). VCF-style: chr2-189048547-C-T. GRCh37 (hg19) VCF-style: chr2-189913273-C-T.
Identifiers: ClinVar variation 681215 (VCV000681215.1), dbSNP rs12693527, ClinGen allele CA62593492.
Genomic context (GRCh38, chr2:189,048,547, plus strand): 5'-CTTATTTTGAAAAACAAAAAACCCACAAATATTTTGAAATAGATAACAATTACATTCTTG[C>T]CACTTTATGTTTTGCTTGTATTAACAATGAAAGGCTTTTCTTACATTTACTTCTTAAGAT-3'